The following is an entry in ClinVar:

NM_015338.6(ASXL1):c.230G>A (p.Arg77Gln)

Gene: ASXL1 (ASXL transcriptional regulator 1; plus strand). Cytogenetic location: 20q11.21.
Variant type: single nucleotide variant.
Coding change: c.230G>A on transcript NM_015338.6 (MANE Select); coding-DNA position 230, G replaced by A.
Protein change: p.Arg77Gln; replaces arginine 77 with glutamine.
Molecular consequence: missense variant.
Genome position (GRCh38, 1-based): chr20:32,369,101, G>A. VCF-style: chr20-32369101-G-A. GRCh37 (hg19) VCF-style: chr20-30956904-G-A.
Other names: c.230G>A, p.Arg77Gln (NM_001164603.1); c.200G>A, p.Arg67Gln (NM_001363734.1); short protein forms R67Q, R77Q.
Identifiers: ClinVar variation 2731601 (VCV002731601.4), dbSNP rs2048254049, ClinGen allele CA408579819.

ClinVar aggregate classification (germline): Uncertain significance. Review status: criteria provided, multiple submitters, no conflicts (2 of 4 stars). 2 submissions from 2 submitters: Uncertain significance (2). Last evaluated 2024-05-02.

Allele frequency attached by ClinVar (database versions not stated): gnomAD exomes below 0.00001.
gnomAD v4.1: 2 of 1,612,802 alleles (0.00012%); highest among the groups gnomAD compares: Non-Finnish European, 0.00017%; no homozygotes.

Submissions (2):

GeneDx
Classification: Uncertain significance. Last evaluated: 2024-05-02. Review status: criteria provided, single submitter. Criteria: GeneDx Variant Classification Process June 2021. Collection method: clinical testing. Allele origin: germline. Affected: yes.
Comment: De novo variant with confirmed parentage in patients referred for genetic testing at GeneDx; however, the reported clinical features are only partially consistent with the features typically observed in individuals with pathogenic variants in this gene; Not observed at significant frequency in large population cohorts (gnomAD); Has not been previously published as pathogenic or benign to our knowledge; In silico analysis supports that this missense variant has a deleterious effect on protein structure/function

Labcorp Genetics (formerly Invitae), Labcorp
Classification: Uncertain significance. Last evaluated: 2023-06-27. Review status: criteria provided, single submitter. Criteria: Invitae Variant Classification Sherloc (09022015). Collection method: clinical testing. Allele origin: germline.
Comment: In summary, the available evidence is currently insufficient to determine the role of this variant in disease. Therefore, it has been classified as a Variant of Uncertain Significance. An algorithm developed to predict the effect of missense changes on protein structure and function (PolyPhen-2) suggests that this variant is likely to be disruptive. This variant has not been reported in the literature in individuals affected with ASXL1-related conditions. This variant is not present in population databases (gnomAD no frequency). This sequence change replaces arginine, which is basic and polar, with glutamine, which is neutral and polar, at codon 77 of the ASXL1 protein (p.Arg77Gln).